The following is an entry in ClinVar:

ClinVar aggregate classification (germline): Pathogenic. Review status: criteria provided, multiple submitters, no conflicts (2 of 4 stars). 5 submissions from 5 submitters: Pathogenic (3). 2 of the submissions do not count toward it. Last evaluated 2022-10-23.

Conditions:
Early-infantile DEE. Also called: Ohtahara syndrome; Early infantile epileptic encephalopathy with suppression bursts; Early infantile epileptic encephalopathy. Identifiers: Orphanet 1934, MedGen C0393706, MONDO:0800491.
Migraine, familial hemiplegic, 3. Identifiers: Orphanet 569, MedGen C1864987, MONDO:0012320, OMIM 609634.

Allele frequency attached by ClinVar (database versions not stated): gnomAD 0.00001.
gnomAD v4.1: 1 of 1,606,370 alleles (0.000062%); no homozygotes.

Submissions (6):

Labcorp Genetics (formerly Invitae), Labcorp
Classification: Pathogenic for Early-infantile DEE. Last evaluated: 2022-10-23. Review status: criteria provided, single submitter. Criteria: Invitae Variant Classification Sherloc (09022015). Collection method: clinical testing. Allele origin: germline.
Comment: This sequence change replaces phenylalanine, which is neutral and non-polar, with leucine, which is neutral and non-polar, at codon 1499 of the SCN1A protein (p.Phe1499Leu). This variant is not present in population databases (gnomAD no frequency). This missense change has been observed in individuals with familial hemiplegic migraine (PMID: 19332696, 30498473). It has also been observed to segregate with disease in related individuals. ClinVar contains an entry for this variant (Variation ID: 12902). Advanced modeling of protein sequence and biophysical properties (such as structural, functional, and spatial information, amino acid conservation, physicochemical variation, residue mobility, and thermodynamic stability) performed at Invitae indicates that this missense variant is expected to disrupt SCN1A protein function. For these reasons, this variant has been classified as Pathogenic.

Mayo Clinic Laboratories, Mayo Clinic
Classification: Pathogenic. Last evaluated: 2021-10-07. Review status: criteria provided, single submitter. Criteria: ACMG Guidelines, 2015. Collection method: clinical testing. Allele origin: germline.
Comment: PP1_strong, PP3, PP4, PM1, PM2, PS3, PS4_moderate

CeGaT Center for Human Genetics Tuebingen
Classification: Pathogenic. Last evaluated: 2017-04-01. Review status: criteria provided, single submitter. Criteria: CeGaT Center For Human Genetics Tuebingen Variant Classification Criteria Version 2. Collection method: clinical testing. Allele origin: germline. Affected: yes. Observed: 2 variant alleles.

OMIM
Classification: Pathogenic for MIGRAINE, FAMILIAL HEMIPLEGIC, 3. Last evaluated: 2009-03-31. Review status: no assertion criteria provided. Collection method: literature only. Allele origin: germline. Not counted in ClinVar's aggregate classification.

Channelopathy-Associated Epilepsy Research Center
No classification provided (evidence only). Condition: Severe myoclonic epilepsy in infancy. Review status: no classification provided. Collection method: literature only. Allele origin: not applicable. Functional consequence: Normal peak current, Normal voltage dependence of activation, Severe depolarizing shift of voltage dependence of fast inactivation, Acceleration of recovery from fast inactivation, Normal voltage dependence of slow inactivation, Acceleration of recovery from slow inactivation, Normal recovery from slow inactivation, Overall gain-of-function effect with respect to biophysical channel activity. Not counted in ClinVar's aggregate classification.
ClinVar note: "not provided" was previously submitted as the classification for the variant. However, the classification appeared to be based only on an observation of functional data so it was converted to no classification on 2025-07-30.

UniProtKB/Swiss-Prot
No classification provided. Condition: Familial hemiplegic migraine type 3. Review status: no classification provided. Collection method: not provided. Allele origin: not provided. Not counted in ClinVar's aggregate classification.

Literature cited by the submitters: PubMed 19332696 (cited by 3 submitters); PubMed 30498473 (cited by Labcorp Genetics (formerly Invitae), Labcorp and Mayo Clinic Laboratories, Mayo Clinic); PubMed 26236192 (cited by Mayo Clinic Laboratories, Mayo Clinic); PubMed 26763045 (cited by Mayo Clinic Laboratories, Mayo Clinic); PubMed 29145747 (cited by Mayo Clinic Laboratories, Mayo Clinic); PubMed 30258939 (cited by Mayo Clinic Laboratories, Mayo Clinic); PubMed 31730442 (cited by Mayo Clinic Laboratories, Mayo Clinic and Channelopathy-Associated Epilepsy Research Center).

NM_001165963.4(SCN1A):c.4495T>C (p.Phe1499Leu)

Genes: SCN1A (sodium voltage-gated channel alpha subunit 1; minus strand), LOC102724058 (uncharacterized LOC102724058; plus strand). Cytogenetic location: 2q24.3.
Variant type: single nucleotide variant.
Coding change: c.4495T>C on transcript NM_001165963.4 (MANE Select); coding-DNA position 4495, T replaced by C.
Protein change: p.Phe1499Leu; replaces phenylalanine 1499 with leucine.
Molecular consequence: missense variant. On other transcripts: non-coding transcript variant (1).
Genome position (GRCh38, 1-based): chr2:165,996,099, A>G on the plus strand (T>C on the coding strand, the complement: SCN1A is on the minus strand). VCF-style: chr2-165996099-A-G. GRCh37 (hg19) VCF-style: chr2-166852609-A-G.
Other names: c.4411T>C, p.Phe1471Leu (NM_001165964.3, NM_001353957.2, NM_001353958.2); c.4495T>C, p.Phe1499Leu (NM_001202435.3, NM_001353948.2); c.4462T>C, p.Phe1488Leu (NM_001353949.2, NM_001353950.2, NM_001353951.2 and 2 more transcripts); c.4459T>C, p.Phe1487Leu (NM_001353954.2, NM_001353955.2); c.4408T>C, p.Phe1470Leu (NM_001353960.2); c.2053T>C, p.Phe685Leu (NM_001353961.2); short protein forms F1499L, F1488L, F1471L, F1487L, F685L, F1470L.
Identifiers: ClinVar variation 12902 (VCV000012902.54), dbSNP rs121918632, ClinGen allele CA256620.